The following is an entry in ClinVar:

NM_001184.4(ATR):c.3164A>G (p.Tyr1055Cys)

Gene: ATR (ATR serine/threonine kinase; minus strand). Cytogenetic location: 3q23.
Variant type: single nucleotide variant.
Coding change: c.3164A>G on transcript NM_001184.4 (MANE Select); coding-DNA position 3164, A replaced by G.
Protein change: p.Tyr1055Cys; replaces tyrosine 1055 with cysteine.
Molecular consequence: missense variant.
Genome position (GRCh38, 1-based): chr3:142,549,486, T>C on the plus strand (A>G on the coding strand, the complement: ATR is on the minus strand). VCF-style: chr3-142549486-T-C. GRCh37 (hg19) VCF-style: chr3-142268328-T-C.
Other names: c.2972A>G, p.Tyr991Cys (NM_001354579.2); short protein forms Y1055C, Y991C.
Identifiers: ClinVar variation 3462784 (VCV003462784.1).

ClinVar aggregate classification (germline): Uncertain significance (1 of 4 stars; one submission).

Conditions:
Inborn genetic diseases. Identifiers: MedGen C0950123, MeSH D030342.

gnomAD v4.1: 2 of 1,583,474 alleles (0.00013%); highest among the groups gnomAD compares: Non-Finnish European, 0.000086%; no homozygotes.

Submission:

Ambry Genetics
Classification: Uncertain significance for Inborn genetic diseases. Last evaluated: 2024-09-23. Review status: criteria provided, single submitter. Criteria: Ambry Variant Classification Scheme 2023. Collection method: clinical testing. Allele origin: germline.
Comment: The p.Y1055C variant (also known as c.3164A>G), located in coding exon 15 of the ATR gene, results from an A to G substitution at nucleotide position 3164. The tyrosine at codon 1055 is replaced by cysteine, an amino acid with highly dissimilar properties. This amino acid position is conserved. In addition, the in silico prediction for this alteration is inconclusive. Based on the available evidence, the clinical significance of this variant remains unclear.